The following is an entry in ClinVar:

ClinVar aggregate classification (germline): Pathogenic/Likely pathogenic. Review status: criteria provided, multiple submitters, no conflicts (2 of 4 stars). 8 submissions from 8 submitters: Pathogenic (7); Likely pathogenic (1). Last evaluated 2026-02-09.

Conditions:
Nemaline myopathy. Also called: Myopathies, Nemaline. Identifiers: Orphanet 607, MedGen C0206157, MONDO:0018958.
Arthrogryposis multiplex congenita 6. Identifiers: MedGen C5543431, MONDO:0030281, OMIM 619334.
Nemaline myopathy 2 (NEM2). Also called: Nemaline myopathy 2, autosomal recessive. Identifiers: MedGen C1850569, MONDO:0009725, OMIM 256030.

Allele frequency attached by ClinVar (database versions not stated): gnomAD 0.00001; gnomAD exomes 0.00001; ExAC 0.00001; TOPMed 0.00002.
gnomAD v4.1: 4 of 1,610,388 alleles (0.00025%); highest among the groups gnomAD compares: Admixed American, 0.0033%; no homozygotes.

Submissions (8):

Dasa
Classification: Pathogenic. Last evaluated: 2026-02-09. Review status: criteria provided, single submitter. Criteria: DASA Assertion Criteria. Collection method: clinical testing. Allele origin: germline.
Comment: NM_001164508.2(NEB):c.22170C>G (p.Tyr7390*) introduces a premature termination codon predicted to result in loss of normal protein function. Loss-of-function is an established mechanism of disease for this gene. This variant has been recurrently observed in individuals with related phenotype (PMID: 16917880; PMID: 25205138). Based on the available data, this variant is classified as pathogenic.

Natera, Inc.
Classification: Pathogenic for Nemaline myopathy type 2. Last evaluated: 2025-11-18. Review status: criteria provided, single submitter. Criteria: Natera Variant Classification Schema (03/2026). Collection method: clinical testing. Allele origin: germline.
Comment: The c.22275C>G variant in NEB is a nonsense variant predicted to introduce a stop codon at amino acid 7425. This variant is expected to result in nonsense mediated decay, truncation, or a dysfunctional protein product. This variant is rare in the general population with a frequency below the threshold expected for the associated phenotype(s). This variant has been observed in one or more individuals affected with the associated recessive disease, as either homozygous or compound heterozygous with a second variant (PMID: 36714460). Given the available evidence, this variant is classified as Pathogenic.

Labcorp Genetics (formerly Invitae), Labcorp
Classification: Pathogenic for Nemaline myopathy 2. Last evaluated: 2024-09-05. Review status: criteria provided, single submitter. Criteria: Invitae Variant Classification Sherloc (09022015). Collection method: clinical testing. Allele origin: germline.
Comment: This sequence change creates a premature translational stop signal (p.Tyr7425*) in the NEB gene. It is expected to result in an absent or disrupted protein product. Loss-of-function variants in NEB are known to be pathogenic (PMID: 25205138). This variant is present in population databases (rs748922882, gnomAD 0.006%). This premature translational stop signal has been observed in individual(s) with nemaline myopathy (PMID: 12207938, 16917880). In at least one individual the data is consistent with being in trans (on the opposite chromosome) from a pathogenic variant. This variant is also known as p.Tyr5689*. ClinVar contains an entry for this variant (Variation ID: 578209). For these reasons, this variant has been classified as Pathogenic.

Baylor Genetics
Classification: Pathogenic for Arthrogryposis multiplex congenita 6. Last evaluated: 2024-03-21. Review status: criteria provided, single submitter. Criteria: ACMG Guidelines, 2015. Collection method: clinical testing. Allele origin: unknown.

GeneDx
Classification: Pathogenic. Last evaluated: 2023-12-27. Review status: criteria provided, single submitter. Criteria: GeneDx Variant Classification Process June 2021. Collection method: clinical testing. Allele origin: germline. Affected: yes.
Comment: Nonsense variant predicted to result in protein truncation or nonsense mediated decay in a gene for which loss of function is a known mechanism of disease; Not observed at significant frequency in large population cohorts (gnomAD); This variant is associated with the following publications: (PMID: 25525159, 31589614, 16917880, 12207938, 36714460, 36233295)

Broad Center for Mendelian Genomics, Broad Institute of MIT and Harvard
Classification: Pathogenic for Nemaline myopathy 2. Last evaluated: 2023-01-25. Review status: criteria provided, single submitter. Criteria: ACMG Guidelines, 2015. Collection method: curation. Allele origin: germline. Inheritance: Autosomal recessive inheritance.
Comment: The p.Tyr7425Ter variant in NEB has been previously reported in 4 unrelated individuals with nemaline myopathy (PMID: 36233295, PMID: 16917880, PMID: 12207938, PMID: 25205138) but has been identified in 0.006% (2/34488) of Latino/Admixed American chromosomes by the Genome Aggregation Database (gnomAD; dbSNP ID: rs748922882). Although this variant has been seen in the general population in a heterozygous state, its frequency is low enough to be consistent with a recessive carrier frequency. Of these 4 unrelated individuals, 3 were compound heterozygotes who carried pathogenic or likely pathogenic variants in trans (PMID: 16917880, PMID: 25205138, ClinVar Variation ID: 1458230; PMID: 36233295, ClinVar Variation ID: 521691), which increases the likelihood that the p.Tyr7425Ter variant is pathogenic. This variant has also been reported in ClinVar (Variation ID: 578209) and has been interpreted as pathogenic by Fulgent Genetics and Invitae and as likely pathogenic by Women's Health and Genetics/Laboratory Corporation of America, LabCorp. This nonsense variant leads to a premature termination codon at position 7425, which is predicted to lead to a truncated or absent protein. Loss of function of the NEB gene is an established disease mechanism in autosomal recessive nemaline myopathy 2. In summary, this variant meets criteria to be classified as pathogenic for nemaline myopathy 2. ACMG/AMP Criteria applied: PVS1, PM2_Supporting, PM3_Strong (Richards 2015).

Fulgent Genetics
Classification: Pathogenic for Nemaline myopathy 2; Arthrogryposis multiplex congenita 6. Last evaluated: 2022-02-03. Review status: criteria provided, single submitter. Criteria: ACMG Guidelines, 2015. Collection method: clinical testing. Allele origin: unknown.

Women's Health and Genetics/Laboratory Corporation of America, LabCorp
Classification: Likely pathogenic for Nemaline myopathy. Last evaluated: 2018-11-29. Review status: criteria provided, single submitter. Criteria: LabCorp Variant Classification Summary - May 2015. Collection method: clinical testing. Allele origin: germline.
Comment: Variant summary: NEB c.22275C>G (p.Tyr7425X) results in a premature termination codon, predicted to cause a truncation of the encoded protein or absence of the protein due to nonsense mediated decay, which are commonly known mechanisms for disease. Truncations downstream of this position have been classified as pathogenic by our laboratory (eg. c.24407_24410dupTGTT (p.Leu8137fsX18), c.24559C>T (p.Arg8187X), and c.24632_24633delCT (p.Pro8211fsX4)). The variant allele was found at a frequency of 8.1e-06 in 245950 control chromosomes (gnomAD). The variant, c.22275C>G, has been reported in the literature in an individual affected with Nemaline Myopathy 2 (Pelin_2002). These data do not allow any conclusion about variant significance. To our knowledge, no experimental evidence demonstrating an impact on protein function has been reported. A ClinVar submission from a clinical diagnostic laboratory (evaluation after 2014) cites the variant as pathogenic. Based on the evidence outlined above, the variant was classified as likely pathogenic.

Literature cited by the submitters: PubMed 16917880 (cited by 3 submitters); PubMed 25205138 (cited by Dasa and Labcorp Genetics (formerly Invitae), Labcorp); PubMed 36714460 (cited by Natera, Inc.); PubMed 12207938 (cited by Labcorp Genetics (formerly Invitae), Labcorp and Women's Health and Genetics/Laboratory Corporation of America, LabCorp); PubMed 15336686 (cited by Women's Health and Genetics/Laboratory Corporation of America, LabCorp).

NM_001164508.2(NEB):c.22170C>G (p.Tyr7390Ter)

Genes: NEB (nebulin; minus strand), RIF1 (replication timing regulatory factor 1; plus strand). Cytogenetic location: 2q23.3.
Variant type: single nucleotide variant.
Coding change: c.22170C>G on transcript NM_001164508.2 (MANE Select); coding-DNA position 22170, C replaced by G.
Protein change: p.Tyr7390Ter; replaces tyrosine 7390 with a stop codon.
Molecular consequence: nonsense.
Genome position (GRCh38, 1-based): chr2:151,525,265, G>C on the plus strand (C>G on the coding strand, the complement: NEB is on the minus strand). VCF-style: chr2-151525265-G-C. GRCh37 (hg19) VCF-style: chr2-152381779-G-C.
Other names: NM_001164508.2(NEB):c.22170C>G; p.Tyr7390Ter; c.22170C>G, p.Tyr7390Ter (NM_001164507.2); c.22275C>G, p.Tyr7425Ter (NM_001271208.2); c.17067C>G, p.Tyr5689Ter (NM_004543.5); short protein forms Y7425*, Y5689*, Y7390*.
Identifiers: ClinVar variation 578209 (VCV000578209.13), dbSNP rs748922882, ClinGen allele CA1906743.
Genomic context (GRCh38, chr2:151,525,265, plus strand): 5'-TGGTGGCTCCAGCATGATGGAGTAGTTGGATTTTCCTTTCTCCTTGACAAACTTCTTTTT[G>C]TAATTTGTCTAAATAGAGCCAGAATTACTTTTATGAGTAGAGGAAGCTGGGAACAGAGTT-3'